The following is an entry in ClinVar:

NM_001267550.2(TTN):c.91276C>T (p.Pro30426Ser)

Genes: TTN (titin; minus strand), TTN-AS1 (TTN antisense RNA 1; plus strand). Cytogenetic location: 2q31.2.
Variant type: single nucleotide variant.
Coding change: c.91276C>T on transcript NM_001267550.2 (MANE Select); coding-DNA position 91276, C replaced by T.
Protein change: p.Pro30426Ser; replaces proline 30426 with serine.
Molecular consequence: missense variant.
Genome position (GRCh38, 1-based): chr2:178,551,255, G>A on the plus strand (C>T on the coding strand, the complement: TTN is on the minus strand). VCF-style: chr2-178551255-G-A. GRCh37 (hg19) VCF-style: chr2-179415982-G-A.
Other names: c.86353C>T, p.Pro28785Ser (NM_001256850.1); c.64081C>T, p.Pro21361Ser (NM_003319.4); c.83572C>T, p.Pro27858Ser (NM_133378.4); c.64456C>T, p.Pro21486Ser (NM_133432.3); c.64657C>T, p.Pro21553Ser (NM_133437.4); short protein forms P21361S, P21486S, P21553S, P27858S, P28785S, P30426S.
Identifiers: ClinVar variation 5019372 (VCV005019372.2).

ClinVar aggregate classification (germline): Uncertain significance (1 of 4 stars; one submission).

Conditions:
Myopathy, myofibrillar, 9, with early respiratory failure (MFM9). Also called: MYOPATHY, PROXIMAL, WITH EARLY RESPIRATORY MUSCLE INVOLVEMENT; Hereditary myopathy with early respiratory failure; Myopathy, distal, with early respiratory failure, autosomal dominant; EDSTROM MYOPATHY. Identifiers: Orphanet 178464, Orphanet 34521, MedGen C1863599, MONDO:0011362, OMIM 603689.
Dilated cardiomyopathy 1G (CMD1G). Identifiers: Orphanet 154, MedGen C1858763, MONDO:0011400, OMIM 604145.
Early-onset myopathy with fatal cardiomyopathy (CMYO5). Also called: Salih Myopathy; CONGENITAL MYOPATHY 5 WITH CARDIOMYOPATHY. Identifiers: Orphanet 289377, MedGen C2673677, MONDO:0012714, OMIM 611705. Disease mechanism: loss of function.
Tibial muscular dystrophy (TMD). Also called: Udd Distal Myopathy – Tibial Muscular Dystrophy; Tibial muscular dystrophy, tardive; UDD MYOPATHY. Identifiers: Orphanet 609, MedGen C1838244, MONDO:0010870, OMIM 600334.
Hypertrophic cardiomyopathy 9. Also called: Familial hypertrophic cardiomyopathy 9. Identifiers: MedGen C1861065, MONDO:0013412, OMIM 613765.
Autosomal recessive limb-girdle muscular dystrophy type 2J (LGMDR10). Also called: Limb-girdle muscular dystrophy, type 2J; MUSCULAR DYSTROPHY, LIMB-GIRDLE, AUTOSOMAL RECESSIVE 10. Identifiers: Orphanet 140922, MedGen C1837342, MONDO:0012127, OMIM 608807.

gnomAD v4.1: 3 of 1,608,360 alleles (0.00019%); highest among the groups gnomAD compares: African/African-American, 0.0013%; no homozygotes.

Submission:

Juno Genomics, Hangzhou Juno Genomics, Inc
Classification: Uncertain significance for Early-onset myopathy with fatal cardiomyopathy; Hypertrophic cardiomyopathy 9; Myopathy, myofibrillar, 9, with early respiratory failure; Tibial muscular dystrophy; Dilated cardiomyopathy 1G; Autosomal recessive limb-girdle muscular dystrophy type 2J. Review status: criteria provided, single submitter. Criteria: ACMG Guidelines, 2015. Collection method: clinical testing. Allele origin: germline.
Comment: Absent from controls (or at extremely low frequency if recessive) in Genome Aggregation Database.;Multiple lines of computational evidence support a deleterious effect on the gene or gene product.;Missense variant in a gene that has a low rate of benign missense variation.